The following is an entry in ClinVar:

NM_001083962.2(TCF4):c.466C>T (p.Pro156Ser)

Gene: TCF4 (transcription factor 4; minus strand). Cytogenetic location: 18q21.2.
Variant type: single nucleotide variant.
Coding change: c.466C>T on transcript NM_001083962.2 (MANE Select); coding-DNA position 466, C replaced by T.
Protein change: p.Pro156Ser; replaces proline 156 with serine.
Molecular consequence: missense variant.
Genome position (GRCh38, 1-based): chr18:55,350,907, G>A on the plus strand (C>T on the coding strand, the complement: TCF4 is on the minus strand). VCF-style: chr18-55350907-G-A. GRCh37 (hg19) VCF-style: chr18-53018138-G-A.
Other names: c.76C>T, p.Pro26Ser (NM_001330605.3, NM_001348212.2, NM_001348213.2 and 1 more transcripts); c.340C>T, p.Pro114Ser (NM_001348211.2, NM_001243231.2); c.394C>T, p.Pro132Ser (NM_001348217.1, NM_001348218.2, NM_001348219.2 and 9 more transcripts); c.391C>T, p.Pro131Ser (NM_001348220.1, NM_001369578.1, NM_001369581.1 and 3 more transcripts); c.466C>T, p.Pro156Ser (NM_001369567.1, NM_003199.3, NM_001243228.2 and 5 more transcripts); c.772C>T, p.Pro258Ser (NM_001243226.3); c.460C>T, p.Pro154Ser (NM_001243230.2); c.253C>T, p.Pro85Ser (NM_001243232.1, NM_001306208.1); and 1 more; short protein forms P114S, P131S, P132S, P154S, P155S, P156S, P258S, P26S.
Identifiers: ClinVar variation 1716760 (VCV001716760.5), dbSNP rs200889338, ClinGen allele CA402702516.

ClinVar aggregate classification (germline): Uncertain significance (1 of 4 stars; one submission).

Conditions:
Pitt-Hopkins syndrome (PTHS). Also called: ENCEPHALOPATHY, SEVERE EPILEPTIC, WITH AUTONOMIC DYSFUNCTION; MENTAL RETARDATION, SYNDROMAL, WITH INTERMITTENT HYPERVENTILATION. Identifiers: Orphanet 2896, MedGen C1970431, MONDO:0012589, OMIM 610954.

Submission:

Labcorp Genetics (formerly Invitae), Labcorp
Classification: Uncertain significance for Pitt-Hopkins syndrome. Last evaluated: 2022-08-19. Review status: criteria provided, single submitter. Criteria: Invitae Variant Classification Sherloc (09022015). Collection method: clinical testing. Allele origin: germline.
Comment: In summary, the available evidence is currently insufficient to determine the role of this variant in disease. Therefore, it has been classified as a Variant of Uncertain Significance. Algorithms developed to predict the effect of missense changes on protein structure and function (SIFT, PolyPhen-2, Align-GVGD) all suggest that this variant is likely to be tolerated. This variant has not been reported in the literature in individuals affected with TCF4-related conditions. This variant is not present in population databases (gnomAD no frequency). This sequence change replaces proline, which is neutral and non-polar, with serine, which is neutral and polar, at codon 156 of the TCF4 protein (p.Pro156Ser).